The following is an entry in ClinVar:

NM_001366385.1(CARD14):c.1790G>A (p.Arg597Gln)

Gene: CARD14 (caspase recruitment domain family member 14; plus strand). Cytogenetic location: 17q25.3.
Variant type: single nucleotide variant.
Coding change: c.1790G>A on transcript NM_001366385.1 (MANE Select); coding-DNA position 1790, G replaced by A.
Protein change: p.Arg597Gln; replaces arginine 597 with glutamine.
Molecular consequence: missense variant. On other transcripts: non-coding transcript variant (1).
Genome position (GRCh38, 1-based): chr17:80,198,530, G>A. VCF-style: chr17-80198530-G-A. GRCh37 (hg19) VCF-style: chr17-78172329-G-A.
Other names: c.1790G>A, p.Arg597Gln (NM_001257970.1, NM_024110.4); c.1079G>A, p.Arg360Gln (NM_052819.3); short protein forms R360Q, R597Q.
Identifiers: ClinVar variation 1005929 (VCV001005929.9), dbSNP rs201920372, ClinGen allele CA294875697.

ClinVar aggregate classification (germline): Uncertain significance (1 of 4 stars; one submission).

Conditions:
Pityriasis rubra pilaris (PRP). Also called: Pityriasis rubra pilaris--familial type. Identifiers: Orphanet 2897, MedGen C0032027, MONDO:0100017, OMIM 173200, MONDO:0008251.
Psoriasis 2. Identifiers: MedGen C1864497, MONDO:0011269, OMIM 602723.

Allele frequency attached by ClinVar (database versions not stated): gnomAD exomes below 0.00001 and 0.00002; gnomAD 0.00002; TOPMed 0.00002.

Submission:

Labcorp Genetics (formerly Invitae), Labcorp
Classification: Uncertain significance for Pityriasis rubra pilaris; Psoriasis 2. Last evaluated: 2025-12-12. Review status: criteria provided, single submitter. Criteria: Invitae Variant Classification Sherloc (09022015). Collection method: clinical testing. Allele origin: germline.
Comment: This sequence change replaces arginine, which is basic and polar, with glutamine, which is neutral and polar, at codon 597 of the CARD14 protein (p.Arg597Gln). The frequency data for this variant in the population databases is considered unreliable, as metrics indicate poor data quality at this position in the gnomAD database. This variant has not been reported in the literature in individuals affected with CARD14-related conditions. ClinVar contains an entry for this variant (Variation ID: 1005929). Invitae Evidence Modeling of protein sequence and biophysical properties (such as structural, functional, and spatial information, amino acid conservation, physicochemical variation, residue mobility, and thermodynamic stability) indicates that this missense variant is not expected to disrupt CARD14 protein function with a negative predictive value of 95%. Algorithms developed to predict the effect of sequence changes on RNA splicing suggest that this variant may create or strengthen a splice site. In summary, the available evidence is currently insufficient to determine the role of this variant in disease. Therefore, it has been classified as a Variant of Uncertain Significance.